The following is an entry in ClinVar:

ClinVar aggregate classification (germline): Uncertain significance (1 of 4 stars; one submission).

Submission:

Labcorp Genetics (formerly Invitae), Labcorp
Classification: Uncertain significance. Last evaluated: 2023-07-26. Review status: criteria provided, single submitter. Criteria: Invitae Variant Classification Sherloc (09022015). Collection method: clinical testing. Allele origin: germline.
Comment: In summary, the available evidence is currently insufficient to determine the role of this variant in disease. Therefore, it has been classified as a Variant of Uncertain Significance. Advanced modeling of protein sequence and biophysical properties (such as structural, functional, and spatial information, amino acid conservation, physicochemical variation, residue mobility, and thermodynamic stability) performed at Invitae indicates that this missense variant is not expected to disrupt ABL1 protein function. ClinVar contains an entry for this variant (Variation ID: 2116585). This variant has not been reported in the literature in individuals affected with ABL1-related conditions. This variant is not present in population databases (gnomAD no frequency). This sequence change replaces glycine, which is neutral and non-polar, with glutamic acid, which is acidic and polar, at codon 10 of the ABL1 protein (p.Gly10Glu).

NM_007313.3(ABL1):c.29G>A (p.Gly10Glu)

Genes: ABL1 (ABL proto-oncogene 1, non-receptor tyrosine kinase; plus strand), LOC107980440 (ABL breakpoint recombination region; plus strand). Cytogenetic location: 9q34.12.
Variant type: single nucleotide variant.
Coding change: c.29G>A on transcript NM_007313.3; coding-DNA position 29, G replaced by A.
Protein change: p.Gly10Glu; replaces glycine 10 with glutamic acid.
Molecular consequence: missense variant.
Genome position (GRCh38, 1-based): chr9:130,714,348, G>A. VCF-style: chr9-130714348-G-A. GRCh37 (hg19) VCF-style: chr9-133589735-G-A.
Other names: short protein forms G10E.
Identifiers: ClinVar variation 2116585 (VCV002116585.4), dbSNP rs1424504681, ClinGen allele CA375248709.